The following is an entry in ClinVar:

NM_014974.3(DIP2C):c.4511A>G (p.Asn1504Ser)

Gene: DIP2C (DIP2 acetate--CoA ligase C (putative); minus strand). Cytogenetic location: 10p15.3.
Variant type: single nucleotide variant.
Coding change: c.4511A>G on transcript NM_014974.3 (MANE Select); coding-DNA position 4511, A replaced by G.
Protein change: p.Asn1504Ser; replaces asparagine 1504 with serine.
Molecular consequence: missense variant.
Genome position (GRCh38, 1-based): chr10:277,485, T>C on the plus strand (A>G on the coding strand, the complement: DIP2C is on the minus strand). VCF-style: chr10-277485-T-C. GRCh37 (hg19) VCF-style: chr10-323425-T-C.
Other names: short protein forms N1504S.
Identifiers: ClinVar variation 3502063 (VCV003502063.2).

ClinVar aggregate classification (germline): Uncertain significance. Review status: criteria provided, multiple submitters, no conflicts (2 of 4 stars). 2 submissions from 2 submitters: Uncertain significance (2). Last evaluated 2025-08-16.

Conditions:
Inborn genetic diseases. Identifiers: MedGen C0950123, MeSH D030342.

gnomAD v4.1: 4 of 1,614,088 alleles (0.00025%); highest among the groups gnomAD compares: East Asian, 0.0045%; no homozygotes.

Submissions (2):

Labcorp Genetics (formerly Invitae), Labcorp
Classification: Uncertain significance. Last evaluated: 2025-08-16. Review status: criteria provided, single submitter. Criteria: Invitae Variant Classification Sherloc (09022015). Collection method: clinical testing. Allele origin: germline.
Comment: This sequence change replaces asparagine, which is neutral and polar, with serine, which is neutral and polar, at codon 1504 of the DIP2C protein (p.Asn1504Ser). This variant is present in population databases (rs769115378, gnomAD 0.006%). This variant has not been reported in the literature in individuals affected with DIP2C-related conditions. ClinVar contains an entry for this variant (Variation ID: 3502063). An algorithm developed to predict the effect of missense changes on protein structure and function outputs the following: PolyPhen-2: "Benign". The serine amino acid residue is found in multiple mammalian species, which suggests that this missense change does not adversely affect protein function. In summary, the available evidence is currently insufficient to determine the role of this variant in disease. Therefore, it has been classified as a Variant of Uncertain Significance.

Ambry Genetics
Classification: Uncertain significance for Inborn genetic diseases. Last evaluated: 2024-08-20. Review status: criteria provided, single submitter. Criteria: Ambry Variant Classification Scheme 2023. Collection method: clinical testing. Allele origin: germline.